The following is an entry in ClinVar:

ClinVar aggregate classification (germline): Uncertain significance (1 of 4 stars; one submission).

Submission:

Labcorp Genetics (formerly Invitae), Labcorp
Classification: Uncertain significance. Last evaluated: 2026-01-15. Review status: criteria provided, single submitter. Criteria: Invitae Variant Classification Sherloc (09022015). Collection method: clinical testing. Allele origin: germline.
Comment: This sequence change replaces asparagine, which is neutral and polar, with serine, which is neutral and polar, at codon 158 of the RNF113A protein (p.Asn158Ser). This variant is not present in population databases (gnomAD no frequency). This variant has not been reported in the literature in individuals affected with RNF113A-related conditions. ClinVar contains an entry for this variant (Variation ID: 3688197). Invitae Evidence Modeling of protein sequence and biophysical properties (such as structural, functional, and spatial information, amino acid conservation, physicochemical variation, residue mobility, and thermodynamic stability) indicates that this missense variant is not expected to disrupt RNF113A protein function with a negative predictive value of 80%. In summary, the available evidence is currently insufficient to determine the role of this variant in disease. Therefore, it has been classified as a Variant of Uncertain Significance.

NM_006978.3(RNF113A):c.473A>G (p.Asn158Ser)

Gene: RNF113A (ring finger protein 113A; minus strand). Cytogenetic location: Xq24.
Variant type: single nucleotide variant.
Coding change: c.473A>G on transcript NM_006978.3 (MANE Select); coding-DNA position 473, A replaced by G.
Protein change: p.Asn158Ser; replaces asparagine 158 with serine.
Molecular consequence: missense variant.
Genome position (GRCh38, 1-based): chrX:119,871,141, T>C on the plus strand (A>G on the coding strand, the complement: RNF113A is on the minus strand). VCF-style: chrX-119871141-T-C. GRCh37 (hg19) VCF-style: chrX-119005104-T-C.
Other names: short protein forms N158S.
Identifiers: ClinVar variation 3688197 (VCV003688197.2).